The following is an entry in ClinVar:

NM_015909.4(NBAS):c.3217C>T (p.Arg1073Cys)

Gene: NBAS (NBAS subunit of NRZ tethering complex; minus strand). Cytogenetic location: 2p24.3.
Variant type: single nucleotide variant.
Coding change: c.3217C>T on transcript NM_015909.4 (MANE Select); coding-DNA position 3217, C replaced by T.
Protein change: p.Arg1073Cys; replaces arginine 1073 with cysteine.
Molecular consequence: missense variant. On other transcripts: non-coding transcript variant (1).
Genome position (GRCh38, 1-based): chr2:15,394,267, G>A on the plus strand (C>T on the coding strand, the complement: NBAS is on the minus strand). VCF-style: chr2-15394267-G-A. GRCh37 (hg19) VCF-style: chr2-15534391-G-A.
Other names: short protein forms R1073C.
Identifiers: ClinVar variation 499274 (VCV000499274.51), dbSNP rs147322367, ClinGen allele CA1536111.

ClinVar aggregate classification (germline): Benign/Likely benign. Review status: criteria provided, multiple submitters, no conflicts (2 of 4 stars). 6 submissions from 6 submitters: Benign (1); Likely benign (4). 1 of the submissions does not count toward it. Last evaluated 2026-02-03.

Conditions:
NBAS-related disorder. Also called: NBAS-related condition.

Allele frequency attached by ClinVar (database versions not stated): 1000 Genomes Project 0.00120; 1000 Genomes Project 30x 0.00141; TOPMed 0.00316; gnomAD 0.00323 and 0.00332; ESP Exome Variant Server 0.00377; ExAC 0.00422.
gnomAD v4.1: 8,271 of 1,612,256 alleles (0.51%); highest among the groups gnomAD compares: Middle Eastern, 0.79%; 34 homozygotes.

Submissions (6):

Labcorp Genetics (formerly Invitae), Labcorp
Classification: Benign. Last evaluated: 2026-02-03. Review status: criteria provided, single submitter. Criteria: Invitae Variant Classification Sherloc (09022015). Collection method: clinical testing. Allele origin: germline.

CeGaT Center for Human Genetics Tuebingen
Classification: Likely benign. Last evaluated: 2025-12-01. Review status: criteria provided, single submitter. Criteria: CeGaT Center For Human Genetics Tuebingen Variant Classification Criteria Version 2. Collection method: clinical testing. Allele origin: germline. Affected: yes. Observed: 12 variant alleles.
Comment: NBAS: BP4, BS2

Genomic Medicine Center of Excellence, King Faisal Specialist Hospital and Research Centre
Classification: Likely benign. Last evaluated: 2025-08-18. Review status: criteria provided, single submitter. Criteria: ACMG Guidelines, 2015. Collection method: clinical testing. Allele origin: germline.

Eurofins Ntd Llc (ga)
Classification: Likely benign. Last evaluated: 2016-12-16. Review status: criteria provided, single submitter. Criteria: EGL Classification Definitions 2015. Collection method: clinical testing. Allele origin: germline. Observed: 1 variant allele, 1 heterozygote.

Breakthrough Genomics
Classification: Likely benign. Review status: criteria provided, single submitter. Criteria: ACMG Guidelines, 2015. Collection method: not provided. Allele origin: germline. Inheritance: Autosomal recessive inheritance. Affected: yes.

PreventionGenetics, part of Exact Sciences
Classification: Likely benign for NBAS-related condition. Last evaluated: 2019-11-08. Review status: no assertion criteria provided. Collection method: clinical testing. Allele origin: germline. Not counted in ClinVar's aggregate classification.
Comment: This variant is classified as likely benign based on ACMG/AMP sequence variant interpretation guidelines (Richards et al. 2015 PMID: 25741868, with internal and published modifications).